The following is an entry in ClinVar:

NM_000264.5(PTCH1):c.3990T>G (p.His1330Gln)

Gene: PTCH1 (patched 1; minus strand). Cytogenetic location: 9q22.32.
Variant type: single nucleotide variant.
Coding change: c.3990T>G on transcript NM_000264.5 (MANE Select); coding-DNA position 3990, T replaced by G.
Protein change: p.His1330Gln; replaces histidine 1330 with glutamine.
Molecular consequence: missense variant. On other transcripts: non-coding transcript variant (1).
Genome position (GRCh38, 1-based): chr9:95,447,266, A>C on the plus strand (T>G on the coding strand, the complement: PTCH1 is on the minus strand). VCF-style: chr9-95447266-A-C. GRCh37 (hg19) VCF-style: chr9-98209548-A-C.
Other names: c.3792T>G, p.His1264Gln (NM_001083602.3); c.3987T>G, p.His1329Gln (NM_001083603.3); c.3537T>G, p.His1179Gln (NM_001083604.3, NM_001083605.3, NM_001083606.3 and 1 more transcripts); c.3834T>G, p.His1278Gln (NM_001354918.2); short protein forms H1179Q, H1278Q, H1330Q, H1264Q, H1329Q.
Identifiers: ClinVar variation 1736777 (VCV001736777.3), dbSNP rs2136579854, ClinGen allele CA374110522.

ClinVar aggregate classification (germline): Uncertain significance (1 of 4 stars; one submission).

Conditions:
Hereditary cancer-predisposing syndrome. Also called: Neoplastic Syndromes, Hereditary; Tumor predisposition; Hereditary Cancer Syndrome; Hereditary neoplastic syndrome. Identifiers: Orphanet 140162, MedGen C0027672, MeSH D009386, MONDO:0015356.

Submission:

Ambry Genetics
Classification: Uncertain significance for Hereditary cancer-predisposing syndrome. Last evaluated: 2024-05-30. Review status: criteria provided, single submitter. Criteria: Ambry Variant Classification Scheme 2023. Collection method: clinical testing. Allele origin: germline.
Comment: The p.H1330Q variant (also known as c.3990T>G), located in coding exon 23 of the PTCH1 gene, results from a T to G substitution at nucleotide position 3990. The histidine at codon 1330 is replaced by glutamine, an amino acid with highly similar properties. This amino acid position is conserved. In addition, the in silico prediction for this alteration is inconclusive. Since supporting evidence is limited at this time, the clinical significance of this alteration remains unclear.